The following is an entry in ClinVar:

ClinVar aggregate classification (germline): Uncertain significance (1 of 4 stars; one submission).

Conditions:
Familial thoracic aortic aneurysm and aortic dissection (TAAD). Also called: Thoracic aortic aneurysms and dissections. Identifiers: Orphanet 91387, MedGen C4707243, MONDO:0019625.
Marfan syndrome (MFS). Also called: FBN1-Related Marfan Syndrome; Marfan syndrome type 1; Marfan's syndrome; Marfan syndrome, classic; MARFAN SYNDROME, TYPE I. Identifiers: Orphanet 284963, Orphanet 558, MedGen C0024796, MONDO:0007947, OMIM 154700.

Submission:

Labcorp Genetics (formerly Invitae), Labcorp
Classification: Uncertain significance for Marfan syndrome; Familial thoracic aortic aneurysm and aortic dissection. Last evaluated: 2018-03-22. Review status: criteria provided, single submitter. Criteria: Invitae Variant Classification Sherloc (09022015). Collection method: clinical testing. Allele origin: germline.
Comment: This sequence change replaces glutamine with histidine at codon 508 of the FBN1 protein (p.Gln508His). The glutamine residue is moderately conserved and there is a small physicochemical difference between glutamine and histidine. This variant is not present in population databases (ExAC no frequency). This variant has not been reported in the literature in individuals with FBN1-related disease. Algorithms developed to predict the effect of missense changes on protein structure and function do not agree on the potential impact of this missense change (SIFT: "Tolerated"; PolyPhen-2: "Possibly Damaging"; Align-GVGD: "Class C0"). In summary, the available evidence is currently insufficient to determine the role of this variant in disease. Therefore, it has been classified as a Variant of Uncertain Significance.

NM_000138.5(FBN1):c.1524G>C (p.Gln508His)

Gene: FBN1 (fibrillin 1; minus strand). Cytogenetic location: 15q21.1.
Variant type: single nucleotide variant.
Coding change: c.1524G>C on transcript NM_000138.5 (MANE Select); coding-DNA position 1524, G replaced by C.
Protein change: p.Gln508His; replaces glutamine 508 with histidine.
Molecular consequence: missense variant.
Genome position (GRCh38, 1-based): chr15:48,513,613, C>G on the plus strand (G>C on the coding strand, the complement: FBN1 is on the minus strand). VCF-style: chr15-48513613-C-G. GRCh37 (hg19) VCF-style: chr15-48805810-C-G.
Other names: short protein forms Q508H.
Identifiers: ClinVar variation 581987 (VCV000581987.8), dbSNP rs1566916256, ClinGen allele CA392342508.